The following is an entry in ClinVar:

NM_002878.4(RAD51D):c.971A>G (p.Gln324Arg)

Genes: RAD51L3-RFFL (RAD51L3-RFFL readthrough; minus strand), RAD51D (RAD51 paralog D; minus strand). Cytogenetic location: 17q12.
Variant type: single nucleotide variant.
Coding change: c.971A>G on transcript NM_002878.4 (MANE Select); coding-DNA position 971, A replaced by G.
Protein change: p.Gln324Arg; replaces glutamine 324 with arginine.
Molecular consequence: missense variant. On other transcripts: non-coding transcript variant (2).
Genome position (GRCh38, 1-based): chr17:35,100,969, T>C on the plus strand (A>G on the coding strand, the complement: RAD51D is on the minus strand). VCF-style: chr17-35100969-T-C. GRCh37 (hg19) VCF-style: chr17-33427988-T-C.
Other names: c.1031A>G, p.Gln344Arg (NM_001142571.2); c.635A>G, p.Gln212Arg (NM_133629.3); short protein forms Q212R, Q324R, Q344R.
Identifiers: ClinVar variation 837146 (VCV000837146.6), dbSNP rs2091527352, ClinGen allele CA399086054.

ClinVar aggregate classification (germline): Uncertain significance (1 of 4 stars; one submission).

Conditions:
Breast-ovarian cancer, familial, susceptibility to, 4. Identifiers: Orphanet 145, MedGen C3280345, MONDO:0013669, OMIM 614291.

gnomAD v4.1: 1 of 1,613,100 alleles (0.000062%); no homozygotes.

Submission:

Labcorp Genetics (formerly Invitae), Labcorp
Classification: Uncertain significance for Breast-ovarian cancer, familial, susceptibility to, 4. Last evaluated: 2019-02-14. Review status: criteria provided, single submitter. Criteria: Invitae Variant Classification Sherloc (09022015). Collection method: clinical testing. Allele origin: germline.
Comment: In summary, the available evidence is currently insufficient to determine the role of this variant in disease. Therefore, it has been classified as a Variant of Uncertain Significance. Algorithms developed to predict the effect of missense changes on protein structure and function (SIFT, PolyPhen-2, Align-GVGD) all suggest that this variant is likely to be tolerated, but these predictions have not been confirmed by published functional studies and their clinical significance is uncertain. This variant has not been reported in the literature in individuals with RAD51D-related conditions. This variant is not present in population databases (ExAC no frequency). This sequence change replaces glutamine with arginine at codon 324 of the RAD51D protein (p.Gln324Arg). The glutamine residue is weakly conserved and there is a small physicochemical difference between glutamine and arginine.